The following is an entry in ClinVar:

NM_032383.5(HPS3):c.2333T>C (p.Leu778Ser)

Genes: CP (ceruloplasmin; minus strand), HPS3 (HPS3 biogenesis of lysosomal organelles complex 2 subunit 1; plus strand). Cytogenetic location: 3q24.
Variant type: single nucleotide variant.
Coding change: c.2333T>C on transcript NM_032383.5 (MANE Select); coding-DNA position 2333, T replaced by C.
Protein change: p.Leu778Ser; replaces leucine 778 with serine.
Molecular consequence: missense variant. On other transcripts: non-coding transcript variant (1).
Genome position (GRCh38, 1-based): chr3:149,162,730, T>C. VCF-style: chr3-149162730-T-C. GRCh37 (hg19) VCF-style: chr3-148880517-T-C.
Other names: c.1838T>C, p.Leu613Ser (NM_001308258.2); c.2333T>C (NM_032383.3); short protein forms L778S, L613S.
Identifiers: ClinVar variation 2171126 (VCV002171126.2), dbSNP rs2473123819, ClinGen allele CA354924328.
Genomic context (GRCh38, chr3:149,162,730, plus strand): 5'-CTCCTTTTACTGTTTTTAAGGTGCTTTGTGCTAAGGATGAAGATACAATTCCTCAGCTCT[T>C]GGTAGACTTTTGGGAAGCTCAGCTAGTGGCATGTCTCCCAGATGTGGTACTTCAGGAACT-3'
Protein context (NP_115759.2, residues 768-788): AKDEDTIPQL[Leu778Ser]VDFWEAQLVA

ClinVar aggregate classification (germline): Uncertain significance. Review status: criteria provided, multiple submitters, no conflicts (2 of 4 stars). 2 submissions from 2 submitters: Uncertain significance (2). Last evaluated 2022-04-09.

Conditions:
Inborn genetic diseases. Identifiers: MedGen C0950123, MeSH D030342.

Allele frequency attached by ClinVar (database versions not stated): gnomAD exomes 0.00001.
gnomAD v4.1: 8 of 1,614,110 alleles (0.0005%); highest among the groups gnomAD compares: Non-Finnish European, 0.00068%; no homozygotes.

Submissions (2):

Labcorp Genetics (formerly Invitae), Labcorp
Classification: Uncertain significance. Last evaluated: 2022-04-09. Review status: criteria provided, single submitter. Criteria: Invitae Variant Classification Sherloc (09022015). Collection method: clinical testing. Allele origin: germline.
Comment: This sequence change replaces leucine, which is neutral and non-polar, with serine, which is neutral and polar, at codon 778 of the HPS3 protein (p.Leu778Ser). This variant is not present in population databases (gnomAD no frequency). This variant has not been reported in the literature in individuals affected with HPS3-related conditions. Algorithms developed to predict the effect of missense changes on protein structure and function are either unavailable or do not agree on the potential impact of this missense change (SIFT: "Deleterious"; PolyPhen-2: "Probably Damaging"; Align-GVGD: "Class C0"). In summary, the available evidence is currently insufficient to determine the role of this variant in disease. Therefore, it has been classified as a Variant of Uncertain Significance.

Ambry Genetics
Classification: Uncertain significance for Inborn genetic diseases. Last evaluated: 2021-07-06. Review status: criteria provided, single submitter. Criteria: Ambry Variant Classification Scheme 2023. Collection method: clinical testing. Allele origin: germline.